The following is an entry in ClinVar:

NM_001008537.3(NEXMIF):c.3230del (p.Pro1077fs)

Gene: NEXMIF (neurite extension and migration factor; minus strand). Cytogenetic location: Xq13.3.
Variant type: Deletion.
Coding change: c.3230del on transcript NM_001008537.3 (MANE Select); coding-DNA position 3230, one base deleted (C; older notation c.3230delC).
Protein change: p.Pro1077fs; shifts the reading frame from proline 1077.
Molecular consequence: frameshift variant.
Genome position (GRCh38, 1-based): chrX:74,741,327, G deleted on the plus strand (C on the coding strand, the reverse complement: NEXMIF is on the minus strand); the first of 4 consecutive G bases (chrX:74,741,327-74,741,330); deleting any one gives the same sequence. VCF-style (leftmost placement, unchanged base first): chrX-74741326-AG-A. GRCh37 (hg19) VCF-style: chrX-73961161-AG-A.
Other names: short protein forms P1077fs.
Identifiers: ClinVar variation 541125 (VCV000541125.8), dbSNP rs1556016350, ClinGen allele CA658799808.

ClinVar aggregate classification (germline): Pathogenic (1 of 4 stars; one submission).

Submission:

Labcorp Genetics (formerly Invitae), Labcorp
Classification: Pathogenic. Last evaluated: 2020-02-10. Review status: criteria provided, single submitter. Criteria: Invitae Variant Classification Sherloc (09022015). Collection method: clinical testing. Allele origin: germline.
Comment: This sequence change creates a premature translational stop signal (p.Pro1077Leufs*13) in the KIAA2022 gene. It is expected to result in an absent or disrupted protein product. This variant is not present in population databases (ExAC no frequency). This variant has not been reported in the literature in individuals with KIAA2022-related conditions. ClinVar contains an entry for this variant (Variation ID: 541125). Loss-of-function variants in KIAA2022 are known to be pathogenic (PMID: 23615299). For these reasons, this variant has been classified as Pathogenic.

Literature cited by the submitters: PubMed 23615299.